The following is an entry in ClinVar:

ClinVar aggregate classification (germline): Uncertain significance (1 of 4 stars; one submission).

Conditions:
Focal segmental glomerulosclerosis 2 (FSGS2). Identifiers: Orphanet 656, MedGen C1858915, MONDO:0011390, OMIM 603965.

Submission:

3billion
Classification: Uncertain significance for Focal segmental glomerulosclerosis 2. Last evaluated: 2024-06-22. Review status: criteria provided, single submitter. Criteria: ACMG Guidelines, 2015. Collection method: clinical testing. Allele origin: germline. Affected: yes.
Comment: The variant is not observed in the gnomAD v4.0.0 dataset. Predicted Consequence/Location: Stop-gained (nonsense): predicted to result in a loss or disruption of normal protein function through nonsense-mediated decay (NMD) or protein truncation. Multiple pathogenic variants are reported downstream of the variant. However, loss-of-function is not an established disease mechansm for this gene yet. Therefore, this variant is classified as VUS according to the recommendation of ACMG/AMP guideline.

NM_004621.6(TRPC6):c.1173G>A (p.Trp391Ter)

Gene: TRPC6 (transient receptor potential cation channel subfamily C member 6; minus strand). Cytogenetic location: 11q22.1.
Variant type: single nucleotide variant.
Coding change: c.1173G>A on transcript NM_004621.6 (MANE Select); coding-DNA position 1173, G replaced by A.
Protein change: p.Trp391Ter; replaces tryptophan 391 with a stop codon.
Molecular consequence: nonsense. On other transcripts: intron variant (1).
Genome position (GRCh38, 1-based): chr11:101,489,057, C>T on the plus strand (G>A on the coding strand, the complement: TRPC6 is on the minus strand). VCF-style: chr11-101489057-C-T. GRCh37 (hg19) VCF-style: chr11-101359788-C-T.
Other names: c.946-5892G>A (NM_001439335.1); short protein forms W391*.
Identifiers: ClinVar variation 4294024 (VCV004294024.1).